The following is an entry in ClinVar:

NM_014423.4(AFF4):c.2308-4C>G

Gene: AFF4 (ALF transcription elongation factor 4; minus strand). Cytogenetic location: 5q31.1.
Variant type: single nucleotide variant.
Coding change: c.2308-4C>G on transcript NM_014423.4 (MANE Select); 4 bases into the intron before coding-DNA position 2308, C replaced by G.
Molecular consequence: intron variant.
Genome position (GRCh38, 1-based): chr5:132,893,122, G>C on the plus strand (C>G on the coding strand, the complement: AFF4 is on the minus strand). VCF-style: chr5-132893122-G-C. GRCh37 (hg19) VCF-style: chr5-132228814-G-C.
Identifiers: ClinVar variation 3358830 (VCV003358830.1).

ClinVar aggregate classification (germline): Likely benign (0 of 4 stars; one submission).

Conditions:
AFF4-related disorder. Also called: AFF4-related condition.

gnomAD v4.1: 12 of 1,613,216 alleles (0.00074%); highest among the groups gnomAD compares: Non-Finnish European, 0.00093%; no homozygotes.

Submission:

PreventionGenetics, part of Exact Sciences
Classification: Likely benign for AFF4-related condition. Last evaluated: 2024-03-06. Review status: no assertion criteria provided. Collection method: clinical testing. Allele origin: germline.
Comment: This variant is classified as likely benign based on ACMG/AMP sequence variant interpretation guidelines (Richards et al. 2015 PMID: 25741868, with internal and published modifications).